The following is an entry in ClinVar:

ClinVar aggregate classification (germline): Conflicting classifications of pathogenicity. Review status: criteria provided, conflicting classifications (1 of 4 stars). 3 submissions from 3 submitters: Uncertain significance (2); Likely benign (1). Last evaluated 2025-10-10.

Allele frequency attached by ClinVar (database versions not stated): gnomAD exomes 0.00005 and 0.00007; gnomAD 0.00006 and 0.00007; ExAC 0.00007; TOPMed 0.00008.
gnomAD v4.1: 85 of 1,613,926 alleles (0.0053%); highest among the groups gnomAD compares: Middle Eastern, 0.12%; no homozygotes.

Submissions (3):

Labcorp Genetics (formerly Invitae), Labcorp
Classification: Uncertain significance. Last evaluated: 2025-10-10. Review status: criteria provided, single submitter. Criteria: Invitae Variant Classification Sherloc (09022015). Collection method: clinical testing. Allele origin: germline.
Comment: This sequence change replaces arginine, which is basic and polar, with histidine, which is basic and polar, at codon 2079 of the SPTB protein (p.Arg2079His). This variant is present in population databases (rs200787781, gnomAD 0.009%). This missense change has been observed in individual(s) with hereditary spherocytosis (PMID: 38319988). ClinVar contains an entry for this variant (Variation ID: 313702). An algorithm developed to predict the effect of missense changes on protein structure and function outputs the following: PolyPhen-2: "Benign". The histidine amino acid residue is found in multiple mammalian species, which suggests that this missense change does not adversely affect protein function. In summary, the available evidence is currently insufficient to determine the role of this variant in disease. Therefore, it has been classified as a Variant of Uncertain Significance.

Revvity Omics, Revvity
Classification: Likely benign. Last evaluated: 2024-04-02. Review status: criteria provided, single submitter. Criteria: ACMG Guidelines, 2015. Collection method: clinical testing. Allele origin: germline.

Breakthrough Genomics
Classification: Uncertain significance. Review status: criteria provided, single submitter. Criteria: ACMG Guidelines, 2015. Collection method: not provided. Allele origin: germline. Inheritance: Autosomal dominant inheritance. Affected: yes.

Literature cited by the submitters: PubMed 38319988 (cited by Labcorp Genetics (formerly Invitae), Labcorp).

NM_001355436.2(SPTB):c.6236G>A (p.Arg2079His)

Gene: SPTB (spectrin beta, erythrocytic; minus strand). Cytogenetic location: 14q23.3.
Variant type: single nucleotide variant.
Coding change: c.6236G>A on transcript NM_001355436.2 (MANE Select); coding-DNA position 6236, G replaced by A.
Protein change: p.Arg2079His; replaces arginine 2079 with histidine.
Molecular consequence: missense variant.
Genome position (GRCh38, 1-based): chr14:64,767,336, C>T on the plus strand (G>A on the coding strand, the complement: SPTB is on the minus strand). VCF-style: chr14-64767336-C-T. GRCh37 (hg19) VCF-style: chr14-65234054-C-T.
Other names: c.6236G>A, p.Arg2079His (NM_001024858.4, NM_001355437.2); short protein forms R2079H.
Identifiers: ClinVar variation 313702 (VCV000313702.11), dbSNP rs200787781, ClinGen allele CA7229718.
Genomic context (GRCh38, chr14:64,767,336, plus strand): 5'-CTCCCTGGACACACGGCCACCACTCACCCAGTCTCCTCTGCGGGTCTCTCTGCAATCTGG[C>T]GTTCTTTCAGCTCAAGCTAGAGGAGGAGAAGGCCCAGGGGTCAGAGCAGCCACAGAGGCG-3'
Protein context (NP_001342365.1, residues 2069-2089): EKPTTLELKE[Arg2079His]QIAERPAEET